The following is an entry in ClinVar:

NM_000344.3:c.*3+32_*3+33insSVA

Gene: SMN1 (survival of motor neuron 1, telomeric).
Variant type: Insertion.
Identifiers: ClinVar variation 1679110 (VCV001679110.3).

ClinVar aggregate classification (germline): Pathogenic (1 of 4 stars; one submission).

Conditions:
Kugelberg-Welander disease (SMA3). Also called: Juvenile Spinal Muscular Atrophy; KUGELBERG-WELANDER SYNDROME; MUSCULAR ATROPHY, JUVENILE; SMA III; SPINAL MUSCULAR ATROPHY, MILD CHILDHOOD AND ADOLESCENT FORM; SPINAL MUSCULAR ATROPHY, TYPE III. Identifiers: Orphanet 70, Orphanet 83419, MedGen C0152109, MONDO:0009672, OMIM 253400.

Submission:

Department of Genetics, Rouen University Hospital, Normandy Center for Genomic and Personalized Medicine
Classification: Pathogenic for Kugelberg-Welander disease. Review status: criteria provided, single submitter. Criteria: ACMG Guidelines, 2015. Collection method: clinical testing. Allele origin: germline. Inheritance: Autosomal recessive inheritance. Affected: yes. Observed: 1 compound heterozygote.
Comment: compound heterozygosity with this SVA-F insertion on one allele the classic SMN1 deletion on the other allele